The following is an entry in ClinVar:

NM_000092.5(COL4A4):c.2716+1_2716+8del

Gene: COL4A4 (collagen type IV alpha 4 chain; minus strand). Cytogenetic location: 2q36.3.
Variant type: Deletion.
Coding change: c.2716+1_2716+8del on transcript NM_000092.5 (MANE Select); the canonical splice donor site of the intron after coding-DNA position 2716 through 8 bases into the intron after coding-DNA position 2716, 8 bases deleted (GTAGGTAG; older notation c.2716+1_2716+8delGTAGGTAG).
Molecular consequence: splice donor variant.
Genome position (GRCh38, 1-based): chr2:227,055,937-227,055,944, CTACCTAC deleted on the plus strand (GTAGGTAG on the coding strand, the reverse complement: COL4A4 is on the minus strand); deleting any 8 consecutive bases within chr2:227,055,937-227,055,945 gives the same sequence; the c. name uses the placement nearest the transcript's 3' end. VCF-style (leftmost placement, unchanged base first): chr2-227055936-ACTACCTAC-A. GRCh37 (hg19) VCF-style: chr2-227920652-ACTACCTAC-A.
Identifiers: ClinVar variation 4730169 (VCV004730169.1).

ClinVar aggregate classification (germline): Likely pathogenic (1 of 4 stars; one submission).

Submission:

Labcorp Genetics (formerly Invitae), Labcorp
Classification: Likely pathogenic. Last evaluated: 2025-10-29. Review status: criteria provided, single submitter. Criteria: Invitae Variant Classification Sherloc (09022015). Collection method: clinical testing. Allele origin: germline.
Comment: This sequence change affects a splice site in intron 30 of the COL4A4 gene. It is expected to disrupt RNA splicing. Variants that disrupt the donor or acceptor splice site typically lead to a loss of protein function (PMID: 16199547), and loss-of-function variants in COL4A4 are known to be pathogenic (PMID: 21196518, 24854265, 25307543). This variant is not present in population databases (gnomAD no frequency). This variant has not been reported in the literature in individuals affected with COL4A4-related conditions. Algorithms developed to predict the effect of sequence changes on RNA splicing suggest that this variant may disrupt the consensus splice site. In summary, the currently available evidence indicates that the variant is pathogenic, but additional data are needed to prove that conclusively. Therefore, this variant has been classified as Likely Pathogenic.

Literature cited by the submitters: PubMed 16199547; PubMed 21196518; PubMed 24854265; PubMed 25307543.